The following is an entry in ClinVar:

ClinVar aggregate classification (germline): Uncertain significance (0 of 4 stars; one submission).

Submission:

Department of Pathology and Laboratory Medicine, Sinai Health System
Classification: Uncertain significance. Review status: no assertion criteria provided. Collection method: clinical testing. Allele origin: unknown. Affected: yes. Study: The Canadian Open Genetics Repository (COGR).
Comment: The TMX2 p.Leu32Arg variant was not identified in the literature nor was it identified in dbSNP, ClinVar or in the following control databases: the 1000 Genomes Project, the NHLBI GO Exome Sequencing Project, or the Genome Aggregation Database (March 6, 2019, v2.1.1). The p.Leu32 residue is conserved in mammals but not in more distantly related organisms, and computational analyses (PolyPhen-2, SIFT, AlignGVGD, BLOSUM, MutationTaster) suggest that the variant may impact the protein; however, this information is not predictive enough to assume pathogenicity. The variant occurs outside of the splicing consensus sequence and in silico or computational prediction software programs (SpliceSiteFinder, MaxEntScan, NNSPLICE, GeneSplicer) do not predict a difference in splicing. In summary, based on the above information the clinical significance of this variant cannot be determined with certainty at this time. This variant is classified as a variant of uncertain significance.

NM_015959.4(TMX2):c.95T>G (p.Leu32Arg)

Genes: TMX2 (thioredoxin related transmembrane protein 2; plus strand), TMX2-CTNND1 (TMX2-CTNND1 readthrough (NMD candidate); plus strand). Cytogenetic location: 11q12.1.
Variant type: single nucleotide variant.
Coding change: c.95T>G on transcript NM_015959.4 (MANE Select); coding-DNA position 95, T replaced by G.
Protein change: p.Leu32Arg; replaces leucine 32 with arginine.
Molecular consequence: missense variant. On other transcripts: non-coding transcript variant (5), 5 prime UTR variant (5).
Genome position (GRCh38, 1-based): chr11:57,712,713, T>G. VCF-style: chr11-57712713-T-G. GRCh37 (hg19) VCF-style: chr11-57480185-T-G.
Other names: c.95T>G, p.Leu32Arg (NM_001144012.3, NM_001347890.2, NM_001347891.2 and 1 more transcripts); c.-90T>G (NM_001347892.2); c.-265T>G (NM_001347893.2, NM_001347894.2); c.-315T>G (NM_001347895.2); c.-242T>G (NM_001347896.2); short protein forms L32R.
Identifiers: ClinVar variation 1049098 (VCV001049098.1), dbSNP rs1946683473, ClinGen allele CA380711588.